The following is an entry in ClinVar:

NM_005475.3(SH2B3):c.1105A>C (p.Ile369Leu)

Gene: SH2B3 (SH2B adaptor protein 3; plus strand). Cytogenetic location: 12q24.12.
Variant type: single nucleotide variant.
Coding change: c.1105A>C on transcript NM_005475.3 (MANE Select); coding-DNA position 1105, A replaced by C.
Protein change: p.Ile369Leu; replaces isoleucine 369 with leucine.
Molecular consequence: missense variant.
Genome position (GRCh38, 1-based): chr12:111,447,413, A>C. VCF-style: chr12-111447413-A-C. GRCh37 (hg19) VCF-style: chr12-111885217-A-C.
Other names: c.499A>C, p.Ile167Leu (NM_001291424.1); short protein forms I167L, I369L.
Identifiers: ClinVar variation 4864403 (VCV004864403.1).

ClinVar aggregate classification (germline): Uncertain significance (1 of 4 stars; one submission).

Conditions:
Inborn genetic diseases. Identifiers: MedGen C0950123, MeSH D030342.

gnomAD v4.1: 3 of 1,613,922 alleles (0.00019%); highest among the groups gnomAD compares: Non-Finnish European, 0.00025%; no homozygotes.

Submission:

Ambry Genetics
Classification: Uncertain significance for Inborn genetic diseases. Last evaluated: 2026-03-30. Review status: criteria provided, single submitter. Criteria: Ambry Variant Classification Scheme 2023. Collection method: clinical testing. Allele origin: germline.
Comment: The p.I369L variant (also known as c.1105A>C), located in coding exon 5 of the SH2B3 gene, results from an A to C substitution at nucleotide position 1105. The isoleucine at codon 369 is replaced by leucine, an amino acid with highly similar properties. This amino acid position is conserved. In addition, this alteration is predicted to be tolerated by in silico analysis. Based on the available evidence, the clinical significance of this variant remains unclear.